The following is an entry in ClinVar:

NM_012330.4(KAT6B):c.3299A>G (p.Glu1100Gly)

Gene: KAT6B (lysine acetyltransferase 6B; plus strand). Cytogenetic location: 10q22.2.
Variant type: single nucleotide variant.
Coding change: c.3299A>G on transcript NM_012330.4 (MANE Select); coding-DNA position 3299, A replaced by G.
Protein change: p.Glu1100Gly; replaces glutamic acid 1100 with glycine.
Molecular consequence: missense variant.
Genome position (GRCh38, 1-based): chr10:75,022,158, A>G. VCF-style: chr10-75022158-A-G. GRCh37 (hg19) VCF-style: chr10-76781916-A-G.
Other names: c.2423A>G, p.Glu808Gly (NM_001370140.1, NM_001370141.1, NM_001370142.1 and 2 more transcripts); c.2234A>G, p.Glu745Gly (NM_001370143.1, NM_001370144.1); c.2750A>G, p.Glu917Gly (NM_001256468.2, NM_001370138.1); c.2261A>G, p.Glu754Gly (NM_001370132.1); c.1610A>G, p.Glu537Gly (NM_001370133.1); c.1214A>G, p.Glu405Gly (NM_001370134.1); c.956A>G, p.Glu319Gly (NM_001370135.1); c.3299A>G, p.Glu1100Gly (NM_001370136.1, NM_001370137.1); short protein forms E1100G, E319G, E405G, E537G, E745G, E754G, E808G, E917G.
Identifiers: ClinVar variation 4806046 (VCV004806046.1).

ClinVar aggregate classification (germline): Uncertain significance (1 of 4 stars; one submission).

Conditions:
Genitopatellar syndrome (GTPTS). Also called: ABSENT PATELLAE, SCROTAL HYPOPLASIA, RENAL ANOMALIES, FACIAL DYSMORPHISM, AND MENTAL RETARDATION; Genitopatellar syndrome (GPS). Identifiers: Orphanet 85201, MedGen C1853566, MONDO:0011640, OMIM 606170.

Submission:

Labcorp Genetics (formerly Invitae), Labcorp
Classification: Uncertain significance for Genitopatellar syndrome. Last evaluated: 2025-05-07. Review status: criteria provided, single submitter. Criteria: Invitae Variant Classification Sherloc (09022015). Collection method: clinical testing. Allele origin: germline.
Comment: This sequence change replaces glutamic acid, which is acidic and polar, with glycine, which is neutral and non-polar, at codon 1100 of the KAT6B protein (p.Glu1100Gly). This variant is not present in population databases (gnomAD no frequency). This variant has not been reported in the literature in individuals affected with KAT6B-related conditions. Invitae Evidence Modeling of protein sequence and biophysical properties (such as structural, functional, and spatial information, amino acid conservation, physicochemical variation, residue mobility, and thermodynamic stability) indicates that this missense variant is not expected to disrupt KAT6B protein function with a negative predictive value of 80%. In summary, the available evidence is currently insufficient to determine the role of this variant in disease. Therefore, it has been classified as a Variant of Uncertain Significance.